The following is an entry in ClinVar:

NM_021098.3(CACNA1H):c.2002+67T>C

Gene: CACNA1H (calcium voltage-gated channel subunit alpha1 H; plus strand). Cytogenetic location: 16p13.3.
Variant type: single nucleotide variant.
Coding change: c.2002+67T>C on transcript NM_021098.3 (MANE Select); 67 bases into the intron after coding-DNA position 2002, T replaced by C.
Molecular consequence: intron variant.
Genome position (GRCh38, 1-based): chr16:1,202,519, T>C. VCF-style: chr16-1202519-T-C. GRCh37 (hg19) VCF-style: chr16-1252519-T-C.
Other names: c.2002+67T>C (NM_001005407.2).
Identifiers: ClinVar variation 1683839 (VCV001683839.2), dbSNP rs115952318, ClinGen allele CA276652351.

ClinVar aggregate classification (germline): Likely benign (1 of 4 stars; one submission).

Allele frequency attached by ClinVar (database versions not stated): 1000 Genomes Project 30x 0.00359; 1000 Genomes Project 0.00379.
gnomAD v4.1: 986 of 1,359,616 alleles (0.073%); highest among the groups gnomAD compares: African/African-American, 1.3%; 7 homozygotes.

Submission:

GeneDx
Classification: Likely benign. Last evaluated: 2021-10-27. Review status: criteria provided, single submitter. Criteria: GeneDx Variant Classification Process June 2021. Collection method: clinical testing. Allele origin: germline. Affected: yes.
Comment: See Variant Classification Assertion Criteria.